The following is an entry in ClinVar:

ClinVar aggregate classification (germline): Uncertain significance. Review status: criteria provided, multiple submitters, no conflicts (2 of 4 stars). 2 submissions from 2 submitters: Uncertain significance (2). Last evaluated 2024-04-09.

Conditions:
Hereditary cancer-predisposing syndrome. Also called: Neoplastic Syndromes, Hereditary; Tumor predisposition; Hereditary Cancer Syndrome; Hereditary neoplastic syndrome. Identifiers: Orphanet 140162, MedGen C0027672, MeSH D009386, MONDO:0015356.
BAP1-related tumor predisposition syndrome (TPDS1). Also called: Tumor susceptibility linked to germline BAP1 mutations; COMMON Syndrome; TUMOR PREDISPOSITION SYNDROME 1; BAP1 tumor predisposition syndrome. Identifiers: Orphanet 289539, MedGen C3280492, MONDO:0013692, OMIM 614327.

Submissions (2):

Color Diagnostics, LLC DBA Color Health
Classification: Uncertain significance for Hereditary cancer-predisposing syndrome. Last evaluated: 2024-04-09. Review status: criteria provided, single submitter. Criteria: ACMG Guidelines, 2015. Collection method: clinical testing. Allele origin: germline.
Comment: This variant deletes 18 nucleotides in intron 5/16 of the BAP1 gene. This variant has been reported to impact RNA splicing by an external laboratory, however, detailed data are not available for review (ClinVar SCV004282573.1). This variant has not been reported in individuals affected with BAP1-related disorders in the literature. This variant has been identified in 1/251484 chromosomes in the general population by the Genome Aggregation Database (gnomAD). The available evidence is insufficient to determine the role of this variant in disease conclusively. Therefore, this variant is classified as a Variant of Uncertain Significance.

Labcorp Genetics (formerly Invitae), Labcorp
Classification: Uncertain significance for BAP1-related tumor predisposition syndrome. Last evaluated: 2023-06-09. Review status: criteria provided, single submitter. Criteria: Invitae Variant Classification Sherloc (09022015). Collection method: clinical testing. Allele origin: germline.
Comment: This variant has not been reported in the literature in individuals affected with BAP1-related conditions. In summary, the available evidence is currently insufficient to determine the role of this variant in disease. Therefore, it has been classified as a Variant of Uncertain Significance. Studies have shown that this variant is associated with altered splicing resulting in unknown protein product impact (Invitae). ClinVar contains an entry for this variant (Variation ID: 922269). This variant is present in population databases (rs778858627, gnomAD 0.0009%). This sequence change falls in intron 5 of the BAP1 gene. It does not directly change the encoded amino acid sequence of the BAP1 protein.

NM_004656.4(BAP1):c.376-27_376-10del

Gene: BAP1 (BRCA1 associated deubiquitinase 1; minus strand). Cytogenetic location: 3p21.1.
Variant type: Deletion.
Coding change: c.376-27_376-10del on transcript NM_004656.4 (MANE Select); 27 bases into the intron before coding-DNA position 376 through 10 bases into the intron before coding-DNA position 376, 18 bases deleted (GATACGGCCTTATTTTCT).
Molecular consequence: intron variant.
Genome position (GRCh38, 1-based): chr3:52,407,470-52,407,487, AGAAAATAAGGCCGTATC deleted on the plus strand (GATACGGCCTTATTTTCT on the coding strand, the reverse complement: BAP1 is on the minus strand); deleting any 18 consecutive bases within chr3:52,407,470-52,407,491 gives the same sequence; the c. name uses the placement nearest the transcript's 3' end. VCF-style (leftmost placement, unchanged base first): chr3-52407469-AAGAAAATAAGGCCGTATC-A. GRCh37 (hg19) VCF-style: chr3-52441485-AAGAAAATAAGGCCGTATC-A.
Identifiers: ClinVar variation 922269 (VCV000922269.6), dbSNP rs778858627, ClinGen allele CA2437096.